The following is an entry in ClinVar:

NM_003722.5(TP63):c.1670G>T (p.Gly557Val)

Gene: TP63 (tumor protein p63; plus strand). Cytogenetic location: 3q28.
Variant type: single nucleotide variant.
Coding change: c.1670G>T on transcript NM_003722.5 (MANE Select); coding-DNA position 1670, G replaced by T.
Protein change: p.Gly557Val; replaces glycine 557 with valine.
Molecular consequence: missense variant. On other transcripts: intron variant (6).
Genome position (GRCh38, 1-based): chr3:189,890,806, G>T. VCF-style: chr3-189890806-G-T. GRCh37 (hg19) VCF-style: chr3-189608595-G-T.
Other names: c.1388G>T, p.Gly463Val (NM_001114980.2); c.1133G>T, p.Gly378Val (NM_001329146.2); c.1658G>T, p.Gly553Val (NM_001329148.2); c.1664G>T, p.Gly555Val (NM_001329964.2); c.1652+1322G>T (NM_001114978.2); c.1508-3400G>T (NM_001329144.2); c.1370+1322G>T (NM_001114981.2); c.1226-3400G>T (NM_001329145.2); and 2 more; short protein forms G378V, G463V, G553V, G555V, G557V.
Identifiers: ClinVar variation 1076262 (VCV001076262.5), dbSNP rs2108864735, ClinGen allele CA355758927.

ClinVar aggregate classification (germline): Pathogenic/Likely pathogenic. Review status: criteria provided, multiple submitters, no conflicts (2 of 4 stars). 2 submissions from 2 submitters: Pathogenic (1); Likely pathogenic (1). Last evaluated 2022-07-29.

Conditions:
TP63-Related Spectrum Disorders.
ADULT syndrome. Also called: ACRO-DERMATO-UNGUAL-LACRIMAL-TOOTH SYNDROME; Acro-Dermo-Ungual-Lacrimal-Tooth Syndrome (ADULT Syndrome); Acro-dermato-ungual-lacrimal-tooth (adult) syndrome. Identifiers: Orphanet 978, MedGen C1863204, MONDO:0007072, OMIM 103285.

Submissions (2):

Laboratorio de Genetica e Diagnostico Molecular, Hospital Israelita Albert Einstein
Classification: Likely pathogenic for ADULT syndrome. Last evaluated: 2022-07-29. Review status: criteria provided, single submitter. Criteria: ACMG Guidelines, 2015. Collection method: clinical testing. Allele origin: germline. Affected: yes. Observed: 1 variant allele.
Comment: ACMG classification criteria: PS4 supporting, PM1 moderated, PM2 moderated, PP3 supporting

Labcorp Genetics (formerly Invitae), Labcorp
Classification: Pathogenic. Last evaluated: 2020-10-10. Review status: criteria provided, single submitter. Criteria: Invitae Variant Classification Sherloc (09022015). Collection method: clinical testing. Allele origin: germline.
Comment: For these reasons, this variant has been classified as Pathogenic. Algorithms developed to predict the effect of sequence changes on RNA splicing suggest that this variant may create or strengthen a splice site, but this prediction has not been confirmed by published transcriptional studies. Algorithms developed to predict the effect of missense changes on protein structure and function are either unavailable or do not agree on the potential impact of this missense change (SIFT: "Deleterious"; PolyPhen-2: "Probably Damaging"; Align-GVGD: "Class C0"). This variant has been observed in individual(s) with ankyloblepharon‚Äìectodermal dysplasia syndrome or TP63-related disorders (PMID: 17224651, Invitae). In at least one individual the variant was observed to be de novo. This variant is also known as Gly518Val. This variant is not present in population databases (ExAC no frequency). This sequence change replaces glycine with valine at codon 557 of the TP63 protein (p.Gly557Val). The glycine residue is highly conserved and there is a moderate physicochemical difference between glycine and valine.

Literature cited by the submitters: PubMed 17224651 (cited by Labcorp Genetics (formerly Invitae), Labcorp).